The following is an entry in ClinVar:

NM_014956.5(CEP164):c.2112G>C (p.Glu704Asp)

Gene: CEP164 (centrosomal protein 164; plus strand). Cytogenetic location: 11q23.3.
Variant type: single nucleotide variant.
Coding change: c.2112G>C on transcript NM_014956.5 (MANE Select); coding-DNA position 2112, G replaced by C.
Protein change: p.Glu704Asp; replaces glutamic acid 704 with aspartic acid.
Molecular consequence: missense variant.
Genome position (GRCh38, 1-based): chr11:117,391,044, G>C. VCF-style: chr11-117391044-G-C. GRCh37 (hg19) VCF-style: chr11-117261760-G-C.
Other names: c.2121G>C, p.Glu707Asp (NM_001271933.2); short protein forms E704D, E707D.
Identifiers: ClinVar variation 967781 (VCV000967781.7), dbSNP rs778301430, ClinGen allele CA382722774.

ClinVar aggregate classification (germline): Uncertain significance. Review status: criteria provided, multiple submitters, no conflicts (2 of 4 stars). 2 submissions from 2 submitters: Uncertain significance (2). Last evaluated 2025-12-20.

Conditions:
Nephronophthisis 15 (NPHP15). Identifiers: Orphanet 3156, MedGen C3541853, MONDO:0013917, OMIM 614845.

Allele frequency attached by ClinVar (database versions not stated): gnomAD exomes below 0.00001.
gnomAD v4.1: 1 of 1,614,106 alleles (0.000062%); highest among the groups gnomAD compares: Admixed American, 0.0017%; no homozygotes.

Submissions (2):

Dasa
Classification: Uncertain significance. Last evaluated: 2025-12-20. Review status: criteria provided, single submitter. Criteria: DASA Assertion Criteria. Collection method: clinical testing. Allele origin: germline.
Comment: NM_014956.5(CEP164):c.2112G>C (p.Glu704Asp) is a missense variant that results in the substitution of glutamic acid with aspartic acid. This variant is rare in population databases. Computational prediction algorithms are consistent with a benign effect. The currently available literature and clinical evidence are not sufficient to establish a definitive association between this variant and the reported condition. Therefore, this variant is classified as a variant of uncertain significance.

Labcorp Genetics (formerly Invitae), Labcorp
Classification: Uncertain significance for Nephronophthisis 15. Last evaluated: 2024-11-18. Review status: criteria provided, single submitter. Criteria: Invitae Variant Classification Sherloc (09022015). Collection method: clinical testing. Allele origin: germline.
Comment: This sequence change replaces glutamic acid, which is acidic and polar, with aspartic acid, which is acidic and polar, at codon 704 of the CEP164 protein (p.Glu704Asp). This variant is not present in population databases (gnomAD no frequency). This variant has not been reported in the literature in individuals affected with CEP164-related conditions. ClinVar contains an entry for this variant (Variation ID: 967781). Invitae Evidence Modeling of protein sequence and biophysical properties (such as structural, functional, and spatial information, amino acid conservation, physicochemical variation, residue mobility, and thermodynamic stability) indicates that this missense variant is not expected to disrupt CEP164 protein function with a negative predictive value of 80%. In summary, the available evidence is currently insufficient to determine the role of this variant in disease. Therefore, it has been classified as a Variant of Uncertain Significance.